The following is an entry in ClinVar:

NM_018263.6(ASXL2):c.1733C>T (p.Pro578Leu)

Gene: ASXL2 (ASXL transcriptional regulator 2; minus strand). Cytogenetic location: 2p23.3.
Variant type: single nucleotide variant.
Coding change: c.1733C>T on transcript NM_018263.6 (MANE Select); coding-DNA position 1733, C replaced by T.
Protein change: p.Pro578Leu; replaces proline 578 with leucine.
Molecular consequence: missense variant.
Genome position (GRCh38, 1-based): chr2:25,749,823, G>A on the plus strand (C>T on the coding strand, the complement: ASXL2 is on the minus strand). VCF-style: chr2-25749823-G-A. GRCh37 (hg19) VCF-style: chr2-25972692-G-A.
Other names: c.1559C>T, p.Pro520Leu (NM_001369346.1); c.953C>T, p.Pro318Leu (NM_001369347.1); short protein forms P318L, P520L, P578L.
Identifiers: ClinVar variation 4881921 (VCV004881921.2).

ClinVar aggregate classification (germline): Uncertain significance (1 of 4 stars; one submission).

Conditions:
Syndromic intellectual disability. Also called: Intellectual disability syndrome. Identifiers: Orphanet 183763, MedGen C5680525, MONDO:0000508.

gnomAD v4.1: 1 of 1,610,632 alleles (0.000062%); highest among the groups gnomAD compares: Non-Finnish European, 0.000085%; no homozygotes.

Submission:

Dasa
Classification: Uncertain significance for Syndromic intellectual disability. Last evaluated: 2026-01-29. Review status: criteria provided, single submitter. Criteria: DASA Assertion Criteria. Collection method: clinical testing. Allele origin: germline.
Comment: NM_018263.6(ASXL2):c.1733C>T (p.Pro578Leu) is a missense variant that results in the substitution of proline with leucine. This variant is rare in population databases. Computational prediction algorithms are consistent with a benign effect. The currently available literature and clinical evidence are not sufficient to establish a definitive association between this variant and the reported condition. Therefore, this variant is classified as a variant of uncertain significance.